The following is an entry in ClinVar:

ClinVar aggregate classification (germline): Benign/Likely benign. Review status: criteria provided, multiple submitters, no conflicts (2 of 4 stars). 8 submissions from 8 submitters: Benign (6); Likely benign (2). Last evaluated 2026-01-22.

Conditions:
CFH-Related Dense Deposit Disease / Membranoproliferative Glomerulonephritis Type II. Identifiers: MedGen CN071292.
CFHR5 deficiency. Identifiers: MedGen C3553720.

Allele frequency attached by ClinVar (database versions not stated): gnomAD exomes 0.00187 and 0.00434; ExAC 0.00475; gnomAD 0.01356 and 0.01447; 1000 Genomes Project 0.01438; 1000 Genomes Project 30x 0.01452; TOPMed 0.01568; ESP Exome Variant Server 0.01730.
gnomAD v4.1: 4,961 of 1,613,088 alleles (0.31%); highest among the groups gnomAD compares: African/African-American, 4.6%; 77 homozygotes.

Submissions (8):

Labcorp Genetics (formerly Invitae), Labcorp
Classification: Benign. Last evaluated: 2026-01-22. Review status: criteria provided, single submitter. Criteria: Invitae Variant Classification Sherloc (09022015). Collection method: clinical testing. Allele origin: germline.

Women's Health and Genetics/Laboratory Corporation of America, LabCorp
Classification: Benign. Last evaluated: 2026-01-22. Review status: criteria provided, single submitter. Criteria: LabCorp Variant Classification Summary - May 2015. Collection method: clinical testing. Allele origin: germline.

Blueprint Genetics
Classification: Likely benign. Last evaluated: 2024-11-01. Review status: criteria provided, single submitter. Criteria: ACMG Guidelines, 2015. Collection method: clinical testing. Allele origin: germline.

Genome-Nilou Lab
Classification: Benign for C3 glomerulonephritis. Last evaluated: 2023-04-11. Review status: criteria provided, single submitter. Criteria: ACMG Guidelines, 2015. Collection method: clinical testing. Allele origin: germline. Affected: no.

Mayo Clinic Laboratories, Mayo Clinic
Classification: Benign. Last evaluated: 2022-09-22. Review status: criteria provided, single submitter. Criteria: ACMG Guidelines, 2015. Collection method: clinical testing. Allele origin: germline. Observed: 86 variant alleles.
Comment: BA1

Fulgent Genetics
Classification: Likely benign for C3 glomerulonephritis. Last evaluated: 2021-09-27. Review status: criteria provided, single submitter. Criteria: ACMG Guidelines, 2015. Collection method: clinical testing. Allele origin: unknown.

Illumina Laboratory Services, Illumina
Classification: Benign for Membranoproliferative glomerulonephritis with complement factor h deficiency. Last evaluated: 2018-01-13. Review status: criteria provided, single submitter. Criteria: ICSL Variant Classification Criteria 13 December 2019. Collection method: clinical testing. Allele origin: germline.
Comment: This variant was observed in the ICSL laboratory as part of a predisposition screen in an ostensibly healthy population. It had not been previously curated by ICSL or reported in the Human Gene Mutation Database (HGMD: prior to June 1st, 2018), and was therefore a candidate for classification through an automated scoring system. Utilizing variant allele frequency, disease prevalence and penetrance estimates, and inheritance mode, an automated score was calculated to assess if this variant is too frequent to cause the disease. Based on the score and internal cut-off values, a variant classified as benign is not then subjected to further curation. The score for this variant resulted in a classification of benign for this disease.

Breakthrough Genomics
Classification: Benign. Review status: criteria provided, single submitter. Criteria: ACMG Guidelines, 2015. Collection method: not provided. Allele origin: germline. Inheritance: Autosomal dominant inheritance. Affected: yes.

NM_030787.4(CFHR5):c.330A>C (p.Val110=)

Gene: CFHR5 (complement factor H related 5; plus strand). Cytogenetic location: 1q31.3.
Variant type: single nucleotide variant.
Coding change: c.330A>C on transcript NM_030787.4 (MANE Select); coding-DNA position 330, A replaced by C.
Protein change: p.Val110=; no amino-acid change (valine 110 retained).
Molecular consequence: synonymous variant.
Genome position (GRCh38, 1-based): chr1:196,984,037, A>C. VCF-style: chr1-196984037-A-C. GRCh37 (hg19) VCF-style: chr1-196953167-A-C.
Other names: p.Val110=.
Identifiers: ClinVar variation 294537 (VCV000294537.19), dbSNP rs61745675, ClinGen allele CA1307698.